The following is an entry in ClinVar:

NM_016169.4(SUFU):c.861C>G (p.Asp287Glu)

Gene: SUFU (SUFU negative regulator of hedgehog signaling; plus strand). Cytogenetic location: 10q24.32.
Variant type: single nucleotide variant.
Coding change: c.861C>G on transcript NM_016169.4 (MANE Select); coding-DNA position 861, C replaced by G.
Protein change: p.Asp287Glu; replaces aspartic acid 287 with glutamic acid.
Molecular consequence: missense variant.
Genome position (GRCh38, 1-based): chr10:102,597,244, C>G. VCF-style: chr10-102597244-C-G. GRCh37 (hg19) VCF-style: chr10-104357001-C-G.
Other names: c.861C>G, p.Asp287Glu (NM_001178133.2); short protein forms D287E.
Identifiers: ClinVar variation 2561141 (VCV002561141.2), dbSNP rs1240385834, ClinGen allele CA377910691.

ClinVar aggregate classification (germline): Uncertain significance (1 of 4 stars; one submission).

Conditions:
Hereditary cancer-predisposing syndrome. Also called: Neoplastic Syndromes, Hereditary; Hereditary Cancer Syndrome; Hereditary neoplastic syndrome; Tumor predisposition. Identifiers: Orphanet 140162, MedGen C0027672, MeSH D009386, MONDO:0015356.

Allele frequency attached by ClinVar (database versions not stated): gnomAD exomes below 0.00001.
gnomAD v4.1: 1 of 1,614,056 alleles (0.000062%); highest among the groups gnomAD compares: South Asian, 0.0011%; no homozygotes.

Submission:

Ambry Genetics
Classification: Uncertain significance for Hereditary cancer-predisposing syndrome. Last evaluated: 2023-03-22. Review status: criteria provided, single submitter. Criteria: Ambry Variant Classification Scheme 2023. Collection method: clinical testing. Allele origin: germline.
Comment: The p.D287E variant (also known as c.861C>G), located in coding exon 7 of the SUFU gene, results from a C to G substitution at nucleotide position 861. The aspartic acid at codon 287 is replaced by glutamic acid, an amino acid with highly similar properties. This amino acid position is conserved. In addition, this alteration is predicted to be tolerated by in silico analysis. Since supporting evidence is limited at this time, the clinical significance of this alteration remains unclear.